The following is an entry in ClinVar:

ClinVar aggregate classification (germline): Uncertain significance (1 of 4 stars; one submission).

Submission:

Labcorp Genetics (formerly Invitae), Labcorp
Classification: Uncertain significance. Last evaluated: 2023-08-08. Review status: criteria provided, single submitter. Criteria: Invitae Variant Classification Sherloc (09022015). Collection method: clinical testing. Allele origin: germline.
Comment: In summary, the available evidence is currently insufficient to determine the role of this variant in disease. Therefore, it has been classified as a Variant of Uncertain Significance. An algorithm developed to predict the effect of missense changes on protein structure and function (PolyPhen-2) suggests that this variant is likely to be tolerated. This variant has not been reported in the literature in individuals affected with TMED7-related conditions. This variant is not present in population databases (gnomAD no frequency). This sequence change replaces tryptophan, which is neutral and slightly polar, with serine, which is neutral and polar, at codon 10 of the TMED7 protein (p.Trp10Ser).

NM_181836.6(TMED7):c.29G>C (p.Trp10Ser)

Genes: TMED7 (transmembrane p24 trafficking protein 7; minus strand), TMED7-TICAM2 (TMED7-TICAM2 readthrough; minus strand). Cytogenetic location: 5q22.3.
Variant type: single nucleotide variant.
Coding change: c.29G>C on transcript NM_181836.6 (MANE Select); coding-DNA position 29, G replaced by C.
Protein change: p.Trp10Ser; replaces tryptophan 10 with serine.
Molecular consequence: missense variant.
Genome position (GRCh38, 1-based): chr5:115,625,764, C>G on the plus strand (G>C on the coding strand, the complement: TMED7 is on the minus strand). VCF-style: chr5-115625764-C-G. GRCh37 (hg19) VCF-style: chr5-114961461-C-G.
Other names: c.29G>C, p.Trp10Ser (NM_001164468.4, NM_001164469.4); short protein forms W10S.
Identifiers: ClinVar variation 2791965 (VCV002791965.3), dbSNP rs2531909964, ClinGen allele CA360714437.
Genomic context (GRCh38, chr5:115,625,764, plus strand): 5'-CCAGGCACCAGTAGCAGCAGTGCGAGCAGCCTGCACCCCCAACGGCCCGCGACGGCCGCC[C>G]AGCGCTGCGCGGACCCCGGCCGCGGCATCCCGAGAAGGCGGCGGCGGCCTCAACCGAGCT-3'
Protein context (NP_861974.1, residues 1-20): MPRPGSAQR[Trp10Ser]AAVAGRWGCR